The following is an entry in ClinVar:

ClinVar aggregate classification (germline): Uncertain significance (1 of 4 stars; one submission).

Submission:

Labcorp Genetics (formerly Invitae), Labcorp
Classification: Uncertain significance. Last evaluated: 2023-09-08. Review status: criteria provided, single submitter. Criteria: Invitae Variant Classification Sherloc (09022015). Collection method: clinical testing. Allele origin: germline.
Comment: In summary, the available evidence is currently insufficient to determine the role of this variant in disease. Therefore, it has been classified as a Variant of Uncertain Significance. Advanced modeling of protein sequence and biophysical properties (such as structural, functional, and spatial information, amino acid conservation, physicochemical variation, residue mobility, and thermodynamic stability) performed at Invitae indicates that this missense variant is not expected to disrupt FN1 protein function. This variant has not been reported in the literature in individuals affected with FN1-related conditions. This variant is not present in population databases (gnomAD no frequency). This sequence change replaces leucine, which is neutral and non-polar, with phenylalanine, which is neutral and non-polar, at codon 801 of the FN1 protein (p.Leu801Phe).

NM_212482.4(FN1):c.2403G>C (p.Leu801Phe)

Gene: FN1 (fibronectin 1; minus strand). Cytogenetic location: 2q35.
Variant type: single nucleotide variant.
Coding change: c.2403G>C on transcript NM_212482.4 (MANE Select); coding-DNA position 2403, G replaced by C.
Protein change: p.Leu801Phe; replaces leucine 801 with phenylalanine.
Molecular consequence: missense variant.
Genome position (GRCh38, 1-based): chr2:215,408,323, C>G on the plus strand (G>C on the coding strand, the complement: FN1 is on the minus strand). VCF-style: chr2-215408323-C-G. GRCh37 (hg19) VCF-style: chr2-216273046-C-G.
Other names: c.2403G>C, p.Leu801Phe (NM_001306129.2, NM_001306130.2, NM_001306131.2 and 13 more transcripts); short protein forms L801F.
Identifiers: ClinVar variation 2759233 (VCV002759233.3), dbSNP rs2470082798, ClinGen allele CA350491209.